The following is an entry in ClinVar:

NM_018249.6(CDK5RAP2):c.5578+310A>G

Gene: CDK5RAP2 (CDK5 regulatory subunit associated protein 2; minus strand). Cytogenetic location: 9q33.2.
Variant type: single nucleotide variant.
Coding change: c.5578+310A>G on transcript NM_018249.6 (MANE Select); 310 bases into the intron after coding-DNA position 5578, A replaced by G.
Molecular consequence: intron variant.
Genome position (GRCh38, 1-based): chr9:120,394,202, T>C on the plus strand (A>G on the coding strand, the complement: CDK5RAP2 is on the minus strand). VCF-style: chr9-120394202-T-C. GRCh37 (hg19) VCF-style: chr9-123156480-T-C.
Other names: c.4888+310A>G (NM_001272039.2); c.5341+310A>G (NM_001011649.3).
Identifiers: ClinVar variation 668865 (VCV000668865.1), dbSNP rs10739563, ClinGen allele CA13079827.

ClinVar aggregate classification (germline): Benign (1 of 4 stars; one submission).

Allele frequency attached by ClinVar (database versions not stated): gnomAD 0.65861 and 0.66278; TOPMed 0.65877; 1000 Genomes Project 30x 0.68754; 1000 Genomes Project 0.68810.
gnomAD v4.1: 100,668 of 152,002 alleles (66%); highest among the groups gnomAD compares: East Asian, 80%; 33,760 homozygotes.

Submission:

GeneDx
Classification: Benign. Last evaluated: 2018-06-16. Review status: criteria provided, single submitter. Criteria: GeneDx Variant Classification (06012015). Collection method: clinical testing. Allele origin: germline. Affected: yes.
Comment: This variant is considered likely benign or benign based on one or more of the following criteria: it is a conservative change, it occurs at a poorly conserved position in the protein, it is predicted to be benign by multiple in silico algorithms, and/or has population frequency not consistent with disease.